The following is an entry in ClinVar:

ClinVar aggregate classification (germline): Likely benign. Review status: reviewed by expert panel (3 of 4 stars). 3 submissions from 3 submitters: Likely benign (1). 2 of the submissions do not count toward it. Last evaluated 2022-04-25.

Conditions:
Inborn genetic diseases. Identifiers: MedGen C0950123, MeSH D030342.
Hereditary thrombocytopenia and hematological cancer predisposition syndrome associated with RUNX1. Also called: PLATELET DISORDER, ASPIRIN-LIKE; Familial Platelet Disorder with Propensity to Acute Myelogenous Leukemia; Familial thrombocytopenia with propensity to acute myelogenous leukemia; RUNX1 Familial Platelet Disorder with Associated Myeloid Malignancies. Identifiers: Orphanet 71290, MedGen C1832388, MeSH C563324, MONDO:0100083, OMIM 601399.
Hereditary thrombocytopenia and hematologic cancer predisposition syndrome. Identifiers: Orphanet 71290, MedGen CN281654, MONDO:0011071.

Allele frequency attached by ClinVar (database versions not stated): gnomAD exomes below 0.00001 and 0.00001; gnomAD 0.00001 and 0.00003; TOPMed 0.00001.
gnomAD v4.1: 25 of 1,614,206 alleles (0.0015%); highest among the groups gnomAD compares: African/African-American, 0.02%; no homozygotes.

Submissions (3):

ClinGen Myeloid Malignancy Variant Curation Expert Panel
Classification: Likely benign for Hereditary thrombocytopenia and hematologic cancer predisposition syndrome. Last evaluated: 2022-04-25. Review status: reviewed by expert panel. Criteria: ClinGen MyeloMalig ACMG Specifications v2. Collection method: curation. Allele origin: germline. Inheritance: Autosomal dominant inheritance.
Comment: NM_001754.5(RUNX1):c.936C>T (p.Thr312=) is a synonymous variant. REVEL score not calculable, as this is a synonymous variant. SpliceAI predicts: Acceptor Loss: 0.00, Donor Loss: 0.00, Acceptor Gain: 0.00, Donor Gain: 0.00 (BP4). Evolutionary conservation prediction algorithms predict the site as not being conserved (PhyloP score 0.171551 < 2.0 or the variant is the reference nucleotide in one primate and/or three mammal species) (BP7). In summary, this variant meets criteria to be classified as likely benign. ACMG/AMP criteria applied, as specified by the Myeloid Malignancy Variant Curation Expert Panel for RUNX1: BP4, BP7.

Labcorp Genetics (formerly Invitae), Labcorp
Classification: Likely benign for Hereditary thrombocytopenia and hematological cancer predisposition syndrome associated with RUNX1. Last evaluated: 2025-07-31. Review status: criteria provided, single submitter. Criteria: Invitae Variant Classification Sherloc (09022015). Collection method: clinical testing. Allele origin: germline. Not counted in ClinVar's aggregate classification.

Ambry Genetics
Classification: Likely benign for Inborn genetic diseases. Last evaluated: 2025-02-24. Review status: criteria provided, single submitter. Criteria: Ambry Variant Classification Scheme 2023. Collection method: clinical testing. Allele origin: germline. Not counted in ClinVar's aggregate classification.

NM_001754.5(RUNX1):c.936C>T (p.Thr312=)

Gene: RUNX1 (RUNX family transcription factor 1; minus strand). Cytogenetic location: 21q22.12.
Variant type: single nucleotide variant.
Coding change: c.936C>T on transcript NM_001754.5 (MANE Select); coding-DNA position 936, C replaced by T.
Protein change: p.Thr312=; no amino-acid change (threonine 312 retained).
Molecular consequence: synonymous variant.
Genome position (GRCh38, 1-based): chr21:34,799,332, G>A on the plus strand (C>T on the coding strand, the complement: RUNX1 is on the minus strand). VCF-style: chr21-34799332-G-A. GRCh37 (hg19) VCF-style: chr21-36171629-G-A.
Other names: NM_001754.5(RUNX1):c.936C>T; p.Thr312=; c.855C>T, p.Thr285= (NM_001001890.3).
Identifiers: ClinVar variation 760480 (VCV000760480.12), dbSNP rs368294941, ClinGen allele CA320255487.